The following is an entry in ClinVar:

NM_020529.3(NFKBIA):c.118G>A (p.Glu40Lys)

Gene: NFKBIA (NFKB inhibitor alpha; minus strand). Cytogenetic location: 14q13.2.
Variant type: single nucleotide variant.
Coding change: c.118G>A on transcript NM_020529.3 (MANE Select); coding-DNA position 118, G replaced by A.
Protein change: p.Glu40Lys; replaces glutamic acid 40 with lysine.
Molecular consequence: missense variant.
Genome position (GRCh38, 1-based): chr14:35,404,527, C>T on the plus strand (G>A on the coding strand, the complement: NFKBIA is on the minus strand). VCF-style: chr14-35404527-C-T. GRCh37 (hg19) VCF-style: chr14-35873733-C-T.
Other names: short protein forms E40K.
Identifiers: ClinVar variation 1718653 (VCV001718653.6), dbSNP rs2138834181, ClinGen allele CA389455273.
Genomic context (GRCh38, chr14:35,404,527, plus strand): 5'-GCACCTCCTGCGGCTCGAGGCGGATCTCCTGCAGCTCCTTGACCATCTGCTCGTACTCCT[C>T]GTCTTTCATGGAGTCCAGGCCGCTGTCGTGGCGGTCGTCCAGTAGCCGCTCCTTCTTCAG-3'
Protein context (NP_065390.1, residues 30-50): HDSGLDSMKD[Glu40Lys]EYEQMVKELQ

ClinVar aggregate classification (germline): Uncertain significance (1 of 4 stars; one submission).

Conditions:
Ectodermal dysplasia and immunodeficiency 2. Identifiers: Orphanet 238468, Orphanet 98813, MedGen C2677481, MONDO:0012806, OMIM 612132.

gnomAD v4.1: 1 of 1,604,196 alleles (0.000062%); no homozygotes.

Submission:

Labcorp Genetics (formerly Invitae), Labcorp
Classification: Uncertain significance for Ectodermal dysplasia and immunodeficiency 2. Last evaluated: 2022-09-02. Review status: criteria provided, single submitter. Criteria: Invitae Variant Classification Sherloc (09022015). Collection method: clinical testing. Allele origin: germline.
Comment: This sequence change replaces glutamic acid, which is acidic and polar, with lysine, which is basic and polar, at codon 40 of the NFKBIA protein (p.Glu40Lys). This variant is not present in population databases (gnomAD no frequency). This variant has not been reported in the literature in individuals affected with NFKBIA-related conditions. Algorithms developed to predict the effect of missense changes on protein structure and function are either unavailable or do not agree on the potential impact of this missense change (SIFT: "Deleterious"; PolyPhen-2: "Possibly Damaging"; Align-GVGD: "Class C0"). In summary, the available evidence is currently insufficient to determine the role of this variant in disease. Therefore, it has been classified as a Variant of Uncertain Significance.